The following is an entry in ClinVar:

ClinVar aggregate classification (germline): Pathogenic (1 of 4 stars; one submission).

Conditions:
Parkinsonian-pyramidal syndrome. Also called: PALLIDOPYRAMIDAL SYNDROME; PARKINSON DISEASE 15, AUTOSOMAL RECESSIVE EARLY-ONSET; PARKINSON DISEASE 15, AUTOSOMAL RECESSIVE. Identifiers: Orphanet 171695, MedGen C1850100, MONDO:0009830, OMIM 260300.

Submission:

Labcorp Genetics (formerly Invitae), Labcorp
Classification: Pathogenic for Parkinsonian-pyramidal syndrome. Last evaluated: 2023-06-23. Review status: criteria provided, single submitter. Criteria: Invitae Variant Classification Sherloc (09022015). Collection method: clinical testing. Allele origin: germline.
Comment: This sequence change creates a premature translational stop signal (p.Tyr52*) in the FBXO7 gene. It is expected to result in an absent or disrupted protein product. Loss-of-function variants in FBXO7 are known to be pathogenic (PMID: 21347293). For these reasons, this variant has been classified as Pathogenic. Algorithms developed to predict the effect of sequence changes on RNA splicing suggest that this variant may disrupt the consensus splice site. This variant has not been reported in the literature in individuals affected with FBXO7-related conditions. This variant is not present in population databases (gnomAD no frequency).

Literature cited by the submitters: PubMed 21347293.

NM_012179.4(FBXO7):c.156C>G (p.Tyr52Ter)

Gene: FBXO7 (F-box protein 7; plus strand). Cytogenetic location: 22q12.3.
Variant type: single nucleotide variant.
Coding change: c.156C>G on transcript NM_012179.4 (MANE Select); coding-DNA position 156, C replaced by G.
Protein change: p.Tyr52Ter; replaces tyrosine 52 with a stop codon.
Molecular consequence: nonsense. On other transcripts: 5 prime UTR variant (1), intron variant (1).
Genome position (GRCh38, 1-based): chr22:32,479,014, C>G. VCF-style: chr22-32479014-C-G. GRCh37 (hg19) VCF-style: chr22-32875001-C-G.
Other names: c.-187C>G (NM_001257990.2); c.38-119C>G (NM_001033024.2); short protein forms Y52*.
Identifiers: ClinVar variation 2725775 (VCV002725775.3), dbSNP rs1431512432, ClinGen allele CA411330192.